The following is an entry in ClinVar:

NM_000138.5(FBN1):c.*1959G>A

Gene: FBN1 (fibrillin 1; minus strand). Cytogenetic location: 15q21.1.
Variant type: single nucleotide variant.
Coding change: c.*1959G>A on transcript NM_000138.5 (MANE Select); 1959 bases downstream of the stop codon, G replaced by A.
Molecular consequence: 3 prime UTR variant.
Genome position (GRCh38, 1-based): chr15:48,409,031, C>T on the plus strand (G>A on the coding strand, the complement: FBN1 is on the minus strand). VCF-style: chr15-48409031-C-T. GRCh37 (hg19) VCF-style: chr15-48701228-C-T.
Identifiers: ClinVar variation 316318 (VCV000316318.9), dbSNP rs12050562, ClinGen allele CA10636124.

ClinVar aggregate classification (germline): Benign. Review status: criteria provided, multiple submitters, no conflicts (2 of 4 stars). 9 submissions from 3 submitters: Benign (9). Last evaluated 2021-05-15.

Conditions:
Stiff skin syndrome (SSKS). Identifiers: Orphanet 2833, MedGen C1861456, MONDO:0008492, OMIM 184900.
Marfan syndrome (MFS). Also called: Marfan syndrome type 1; Marfan's syndrome; MARFAN SYNDROME, TYPE I; Marfan syndrome, classic; FBN1-Related Marfan Syndrome. Identifiers: Orphanet 284963, Orphanet 558, MedGen C0024796, MONDO:0007947, OMIM 154700.
Geleophysic dysplasia. Identifiers: Orphanet 2623, MedGen C3489726, MONDO:0000127.
Familial thoracic aortic aneurysm and aortic dissection (TAAD). Also called: Thoracic aortic aneurysms and dissections. Identifiers: Orphanet 91387, MedGen C4707243, MONDO:0019625.
Acromicric dysplasia (ACMICD). Also called: Acromicric skeletal dysplasia. Identifiers: Orphanet 969, MedGen C0265287, MONDO:0007055, OMIM 102370.
Ectopia lentis 1, isolated, autosomal dominant (ECTOL1). Identifiers: Orphanet 1885, MedGen C3541518, MONDO:0007514, OMIM 129600.
Weill-Marchesani syndrome. Also called: WM Syndrome; Mesodermal dysmorphodystrophy congenital. Identifiers: Orphanet 3449, MedGen C0265313, MONDO:0018096.

Allele frequency attached by ClinVar (database versions not stated): TOPMed 0.04043; gnomAD 0.03427 and 0.03119; 1000 Genomes Project 30x 0.08463; 1000 Genomes Project 0.08686.

Submissions (9):

GeneDx
Classification: Benign. Last evaluated: 2021-05-15. Review status: criteria provided, single submitter. Criteria: GeneDx Variant Classification Process June 2021. Collection method: clinical testing. Allele origin: germline. Affected: yes.

Illumina Laboratory Services, Illumina
Classification: Benign for Stiff skin syndrome. Last evaluated: 2018-01-13. Review status: criteria provided, single submitter. Criteria: ICSL Variant Classification Criteria 13 December 2019. Collection method: clinical testing. Allele origin: germline.
Comment: This variant was observed in the ICSL laboratory as part of a predisposition screen in an ostensibly healthy population. It had not been previously curated by ICSL or reported in the Human Gene Mutation Database (HGMD: prior to June 1st, 2018), and was therefore a candidate for classification through an automated scoring system. Utilizing variant allele frequency, disease prevalence and penetrance estimates, and inheritance mode, an automated score was calculated to assess if this variant is too frequent to cause the disease. Based on the score and internal cut-off values, a variant classified as benign is not then subjected to further curation. The score for this variant resulted in a classification of benign for this disease.

Illumina Laboratory Services, Illumina
Classification: Benign for Geleophysic dysplasia. Last evaluated: 2018-01-13. Review status: criteria provided, single submitter. Criteria: ICSL Variant Classification Criteria 13 December 2019. Collection method: clinical testing. Allele origin: germline.
Comment: the same text as in the submission from Illumina Laboratory Services, Illumina above.

Illumina Laboratory Services, Illumina
Classification: Benign for Marfan syndrome. Last evaluated: 2018-01-13. Review status: criteria provided, single submitter. Criteria: ICSL Variant Classification Criteria 13 December 2019. Collection method: clinical testing. Allele origin: germline.
Comment: the same text as in the submission from Illumina Laboratory Services, Illumina above.

Illumina Laboratory Services, Illumina
Classification: Benign for Acromicric dysplasia. Last evaluated: 2018-01-13. Review status: criteria provided, single submitter. Criteria: ICSL Variant Classification Criteria 13 December 2019. Collection method: clinical testing. Allele origin: germline.
Comment: the same text as in the submission from Illumina Laboratory Services, Illumina above.

Illumina Laboratory Services, Illumina
Classification: Benign for Familial thoracic aortic aneurysm and aortic dissection. Last evaluated: 2018-01-13. Review status: criteria provided, single submitter. Criteria: ICSL Variant Classification Criteria 13 December 2019. Collection method: clinical testing. Allele origin: germline.
Comment: the same text as in the submission from Illumina Laboratory Services, Illumina above.

Illumina Laboratory Services, Illumina
Classification: Benign for Weill-Marchesani syndrome. Last evaluated: 2018-01-13. Review status: criteria provided, single submitter. Criteria: ICSL Variant Classification Criteria 13 December 2019. Collection method: clinical testing. Allele origin: germline.
Comment: the same text as in the submission from Illumina Laboratory Services, Illumina above.

Illumina Laboratory Services, Illumina
Classification: Benign for Ectopia lentis 1, isolated, autosomal dominant. Last evaluated: 2018-01-13. Review status: criteria provided, single submitter. Criteria: ICSL Variant Classification Criteria 13 December 2019. Collection method: clinical testing. Allele origin: germline.
Comment: the same text as in the submission from Illumina Laboratory Services, Illumina above.

Breakthrough Genomics
Classification: Benign. Review status: criteria provided, single submitter. Criteria: ACMG Guidelines, 2015. Collection method: not provided. Allele origin: germline. Inheritance: Autosomal dominant inheritance. Affected: yes.